The following is an entry in ClinVar:

NM_000875.5(IGF1R):c.3802GAG[1] (p.Glu1269del)

Gene: IGF1R (insulin like growth factor 1 receptor; plus strand). Cytogenetic location: 15q26.3.
Variant type: Microsatellite.
Coding change: c.3802GAG[1] on transcript NM_000875.5 (MANE Select); one copy of the 3-base unit GAG starting at c.3802; the reference has two copies in a row; one copy, 3 bases deleted.
Protein change: p.Glu1269del; deletes glutamic acid 1269.
Molecular consequence: inframe deletion.
Genome position (GRCh38, 1-based): chr15:98,957,143-98,957,145, GAG deleted; deleting any 3 consecutive bases within chr15:98,957,140-98,957,145 gives the same sequence; the position shown is the placement nearest the transcript's 3' end. VCF-style (leftmost placement, unchanged base first): chr15-98957139-AGAG-A. GRCh37 (hg19) VCF-style: chr15-99500368-AGAG-A.
Other names: c.3799GAG[1], p.Glu1268del (NM_001291858.2); short protein forms E1268del, E1269del.
Identifiers: ClinVar variation 2006746 (VCV002006746.4), dbSNP rs2506113059, ClinGen allele CA2580613345.

ClinVar aggregate classification (germline): Uncertain significance (1 of 4 stars; one submission).

Submission:

Labcorp Genetics (formerly Invitae), Labcorp
Classification: Uncertain significance. Last evaluated: 2024-05-06. Review status: criteria provided, single submitter. Criteria: Invitae Variant Classification Sherloc (09022015). Collection method: clinical testing. Allele origin: germline.
Comment: This variant, c.3805_3807del, results in the deletion of 1 amino acid(s) of the IGF1R protein (p.Glu1269del), but otherwise preserves the integrity of the reading frame. This variant is not present in population databases (gnomAD no frequency). This variant has not been reported in the literature in individuals affected with IGF1R-related conditions. Experimental studies and prediction algorithms are not available or were not evaluated, and the functional significance of this variant is currently unknown. In summary, the available evidence is currently insufficient to determine the role of this variant in disease. Therefore, it has been classified as a Variant of Uncertain Significance.